The following is an entry in ClinVar:

ClinVar aggregate classification (germline): Likely pathogenic (1 of 4 stars; one submission).

Submission:

Labcorp Genetics (formerly Invitae), Labcorp
Classification: Likely pathogenic. Last evaluated: 2023-04-03. Review status: criteria provided, single submitter. Criteria: Invitae Variant Classification Sherloc (09022015). Collection method: clinical testing. Allele origin: germline.
Comment: In summary, the currently available evidence indicates that the variant is pathogenic, but additional data are needed to prove that conclusively. Therefore, this variant has been classified as Likely Pathogenic. Algorithms developed to predict the effect of sequence changes on RNA splicing suggest that this variant may disrupt the consensus splice site. This variant has not been reported in the literature in individuals affected with GLE1-related conditions. This variant is not present in population databases (gnomAD no frequency). This sequence change affects a donor splice site in intron 12 of the GLE1 gene. It is expected to disrupt RNA splicing. Variants that disrupt the donor or acceptor splice site typically lead to a loss of protein function (PMID: 16199547), and loss-of-function variants in GLE1 are known to be pathogenic (PMID: 18204449, 24243016, 27684565).

Literature cited by the submitters: PubMed 16199547; PubMed 18204449; PubMed 24243016; PubMed 27684565.

NM_001003722.2(GLE1):c.1776+2T>G

Genes: GLE1 (GLE1 RNA export mediator; plus strand), LOC101929270 (uncharacterized LOC101929270; minus strand). Cytogenetic location: 9q34.11.
Variant type: single nucleotide variant.
Coding change: c.1776+2T>G on transcript NM_001003722.2 (MANE Select); the canonical splice donor site of the intron after coding-DNA position 1776, T replaced by G.
Molecular consequence: splice donor variant.
Genome position (GRCh38, 1-based): chr9:128,536,486, T>G. VCF-style: chr9-128536486-T-G. GRCh37 (hg19) VCF-style: chr9-131298765-T-G.
Other names: c.1776+2T>G (NM_001499.2); c.1803+2T>G (NM_001411013.1).
Identifiers: ClinVar variation 3009380 (VCV003009380.3), dbSNP rs2540637438, ClinGen allele CA375045181.